The following is an entry in ClinVar:

NM_001378454.1(ALMS1):c.8665G>T (p.Glu2889Ter)

Gene: ALMS1 (ALMS1 centrosome and basal body associated protein; plus strand). Cytogenetic location: 2p13.1.
Variant type: single nucleotide variant.
Coding change: c.8665G>T on transcript NM_001378454.1 (MANE Select); coding-DNA position 8665, G replaced by T.
Protein change: p.Glu2889Ter; replaces glutamic acid 2889 with a stop codon.
Molecular consequence: nonsense.
Genome position (GRCh38, 1-based): chr2:73,490,624, G>T. VCF-style: chr2-73490624-G-T. GRCh37 (hg19) VCF-style: chr2-73717751-G-T.
Other names: c.8668G>T, p.Glu2890Ter (NM_015120.4); short protein forms E2889*, E2890*.
Identifiers: ClinVar variation 3767983 (VCV003767983.1).
Genomic context (GRCh38, chr2:73,490,624, plus strand): 5'-AATGTAACTATAACTCCAGATCTTCCTTCTTGCATTTTTCTTGAACAACGAGAGCTCTTT[G>T]AACAAAGCAAAGCCCCACGTGCAGATGACCATGTGAGGAAACACCATTCTCCCTCTCCTC-3'

ClinVar aggregate classification (germline): Likely pathogenic (1 of 4 stars; one submission).

Conditions:
Alstrom syndrome (ALMS). Identifiers: Orphanet 64, MedGen C0268425, MONDO:0008763, OMIM 203800.

gnomAD v4.1: 1 of 1,614,130 alleles (0.000062%); highest among the groups gnomAD compares: South Asian, 0.0011%; no homozygotes.

Submission:

Diagnostics Services (NGS), CSIR - Centre For Cellular And Molecular Biology
Classification: Likely pathogenic for Alstrom syndrome. Last evaluated: 2025-02-19. Review status: criteria provided, single submitter. Criteria: ACMG Guidelines, 2015. Collection method: clinical testing. Allele origin: unknown. Affected: yes. Observed: 1 variant allele, 1 heterozygote.
Comment: The c.8665G>T variant is not present in 1000 Genomes, EVS, Indian Exome Database or our in-house exome database. The variant is present in gnomAD at a low frequency. This variant has neither been published in literature in individuals with ALMS1-related conditions nor reported to the clinical databases like Human Genome Mutation Database (HGMD), ClinVar or OMIM, in any affected individuals. In-silico pathogenicity prediction programs like MutationTaster2, CADD, Varsome, Franklin, InterVar etc predicted the variant to be likely deleterious.